The following is an entry in ClinVar:

ClinVar aggregate classification (germline): Pathogenic (1 of 4 stars; one submission).

Conditions:
Glycine encephalopathy. Also called: Nonketotic hyperglycinemia; Non-ketotic hyperglycinemia. Identifiers: Orphanet 407, MedGen C0751748, MONDO:0011612, HP:0008288.

Submission:

Labcorp Genetics (formerly Invitae), Labcorp
Classification: Pathogenic for Glycine encephalopathy. Last evaluated: 2023-06-15. Review status: criteria provided, single submitter. Criteria: Invitae Variant Classification Sherloc (09022015). Collection method: clinical testing. Allele origin: unknown.
Comment: For these reasons, this variant has been classified as Pathogenic. A similar copy number variant has been observed in individual(s) with clinical features of nonketotic hyperglycinemia (PMID: 27362913). This variant results in a copy number gain of the genomic region encompassing exon(s) 3-15 of the GLDC gene. While the exact position of this variant cannot be determined from the data, sub-genic copy number gains are generally in tandem (PMID: 25640679). This variant is predicted to be out-of-frame, and may result in an absent or disrupted protein product. Loss-of-function variants in GLDC are known to be pathogenic (PMID: 16601880).

Literature cited by the submitters: PubMed 27362913; PubMed 25640679; PubMed 16601880.

NC_000009.11:g.(?_6587121)_(6620339_?)dup

Gene: GLDC (glycine decarboxylase; minus strand). Cytogenetic location: 9p24.1.
Variant type: Duplication.
Identifiers: ClinVar variation 3245161 (VCV003245161.1).